The following is an entry in ClinVar:

ClinVar aggregate classification (germline): Likely pathogenic (1 of 4 stars; one submission).

Conditions:
Hereditary cancer-predisposing syndrome. Also called: Neoplastic Syndromes, Hereditary; Tumor predisposition; Hereditary neoplastic syndrome; Hereditary Cancer Syndrome. Identifiers: Orphanet 140162, MedGen C0027672, MeSH D009386, MONDO:0015356.

Submission:

Ambry Genetics
Classification: Likely pathogenic for Hereditary cancer-predisposing syndrome. Last evaluated: 2019-09-13. Review status: criteria provided, single submitter. Criteria: Ambry Variant Classification Scheme 2023. Collection method: clinical testing. Allele origin: germline.
Comment: The c.997-1G>A intronic variant results from a G to A substitution one nucleotide upstream from coding exon 10 of the FANCC gene. This nucleotide position is highly conserved in available vertebrate species. Using the BDGP and ESEfinder splice site prediction tools, this alteration is predicted to abolish the native splice acceptor site; however, direct evidence is unavailable. Alterations that disrupt the canonical splice site are expected to cause aberrant splicing, resulting in an abnormal protein or a transcript that is subject to nonsense-mediated mRNA decay. As such, this alteration is classified as likely pathogenic.

NM_000136.3(FANCC):c.997-1G>A

Genes: FANCC (FA complementation group C; minus strand), AOPEP (aminopeptidase O (putative); plus strand). Cytogenetic location: 9q22.32.
Variant type: single nucleotide variant.
Coding change: c.997-1G>A on transcript NM_000136.3 (MANE Select); the canonical splice acceptor site of the intron before coding-DNA position 997, G replaced by A.
Molecular consequence: splice acceptor variant.
Genome position (GRCh38, 1-based): chr9:95,117,391, C>T on the plus strand (G>A on the coding strand, the complement: FANCC is on the minus strand). VCF-style: chr9-95117391-C-T. GRCh37 (hg19) VCF-style: chr9-97879673-C-T.
Other names: c.997-1G>A (NM_001243743.2, NM_001243744.2).
Identifiers: ClinVar variation 823587 (VCV000823587.4), dbSNP rs1588070986, ClinGen allele CA374108239.